The following is an entry in ClinVar:

NM_001903.5(CTNNA1):c.594G>A (p.Leu198=)

Gene: CTNNA1 (catenin alpha 1; plus strand). Cytogenetic location: 5q31.2.
Variant type: single nucleotide variant.
Coding change: c.594G>A on transcript NM_001903.5 (MANE Select); coding-DNA position 594, G replaced by A.
Protein change: p.Leu198=; no amino-acid change (leucine 198 retained).
Molecular consequence: synonymous variant.
Genome position (GRCh38, 1-based): chr5:138,824,535, G>A. VCF-style: chr5-138824535-G-A. GRCh37 (hg19) VCF-style: chr5-138160224-G-A.
Other names: c.594G>A, p.Leu198= (NM_001290307.3, NM_001323982.2, NM_001323983.1 and 3 more transcripts); c.285G>A, p.Leu95= (NM_001290309.3); c.225G>A, p.Leu75= (NM_001290310.3).
Identifiers: ClinVar variation 743707 (VCV000743707.14), dbSNP rs1351489304, ClinGen allele CA446594122.
Genomic context (GRCh38, chr5:138,824,535, plus strand): 5'-TGAGTAAAGCCCATATAAAGAGTGCTCCAATTTCTTGTTTTATTTACTCTTGTAGGAATT[G>A]AAAGATGTTGGCCATCGTGATCAGATGGCTGCAGCTAGAGGAATCCTGCAGAAGAACGTT-3'
Protein context (NP_001894.2, residues 188-208): NIMAAKRQQE[Leu198=]KDVGHRDQMA

ClinVar aggregate classification (germline): Benign/Likely benign. Review status: criteria provided, multiple submitters, no conflicts (2 of 4 stars). 3 submissions from 3 submitters: Benign (1); Likely benign (2). Last evaluated 2026-01-04.

Conditions:
Hereditary diffuse gastric adenocarcinoma (HDGC). Also called: DIFFUSE GASTRIC AND LOBULAR BREAST CANCER SYNDROME. Identifiers: Orphanet 26106, MedGen C1708349, MONDO:0007648, OMIM 137215.
Hereditary cancer-predisposing syndrome. Also called: Tumor predisposition; Hereditary Cancer Syndrome; Neoplastic Syndromes, Hereditary; Hereditary neoplastic syndrome. Identifiers: Orphanet 140162, MedGen C0027672, MeSH D009386, MONDO:0015356.

Allele frequency attached by ClinVar (database versions not stated): TOPMed below 0.00001; gnomAD 0.00001.
gnomAD v4.1: 1 of 1,613,126 alleles (0.000062%); highest among the groups gnomAD compares: African/African-American, 0.0013%; no homozygotes.

Submissions (3):

Labcorp Genetics (formerly Invitae), Labcorp
Classification: Likely benign. Last evaluated: 2026-01-04. Review status: criteria provided, single submitter. Criteria: Invitae Variant Classification Sherloc (09022015). Collection method: clinical testing. Allele origin: germline.

Myriad Genetics, Inc.
Classification: Benign for Hereditary diffuse gastric adenocarcinoma. Last evaluated: 2024-10-10. Review status: criteria provided, single submitter. Criteria: Myriad Autosomal Dominant, Autosomal Recessive and X-Linked Classification Criteria (2023). Collection method: clinical testing. Allele origin: unknown.
Comment: This variant is considered benign. This variant is a silent/synonymous amino acid change and it is not expected to impact splicing.

Ambry Genetics
Classification: Likely benign for Hereditary cancer-predisposing syndrome. Last evaluated: 2021-08-11. Review status: criteria provided, single submitter. Criteria: Ambry Variant Classification Scheme 2023. Collection method: clinical testing. Allele origin: germline.